The following is an entry in ClinVar:

NM_001267550.2(TTN):c.10531_10535dup (p.Val3512_Phe3513insTer)

Gene: TTN (titin; minus strand). Cytogenetic location: 2q31.2.
Variant type: Duplication.
Coding change: c.10531_10535dup on transcript NM_001267550.2 (MANE Select); coding-DNA positions 10531 to 10535, 5 bases duplicated (GTAGT; older notation c.10531_10535dupGTAGT).
Protein change: p.Val3512_Phe3513insTer.
Molecular consequence: nonsense, inframe insertion. On other transcripts: frameshift variant (1), intron variant (5).
Genome position (GRCh38, 1-based): chr2:178,757,685-178,757,689, ACTAC duplicated on the plus strand (GTAGT on the coding strand, the reverse complement: TTN is on the minus strand); duplicating any 5 consecutive bases within chr2:178,757,685-178,757,690 gives the same sequence; the c. name uses the placement nearest the transcript's 3' end. VCF-style (leftmost placement, unchanged base first): chr2-178757684-A-AACTAC. GRCh37 (hg19) VCF-style: chr2-179622411-A-AACTAC.
Other names: c.10531_10535dup (NM_001267550.1); c.10393_10397dup, p.Val3466_Phe3467insTer (NM_133432.3); c.10165+1295_10165+1299dup (NM_003319.4); c.10166-892_10166-888dup (NM_133437.4); c.10303+1295_10303+1299dup (NM_133378.4, NM_001256850.1, NM_133379.5).
Identifiers: ClinVar variation 5016805 (VCV005016805.1).

ClinVar aggregate classification (germline): Uncertain significance (1 of 4 stars; one submission).

Submission:

GeneDx
Classification: Uncertain significance. Last evaluated: 2026-03-22. Review status: criteria provided, single submitter. Criteria: GeneDx Variant Classification Process June 2021. Collection method: clinical testing. Allele origin: germline.
Comment: Not observed at significant frequency in large population cohorts (gnomAD); Nonsense variant predicted to result in protein truncation or nonsense mediated decay in a gene or region of a gene for which loss of function is not a well-established mechanism of disease; Has not been previously published as pathogenic or benign to our knowledge